The following is an entry in ClinVar:

NM_031935.3(HMCN1):c.11803A>G (p.Ile3935Val)

Gene: HMCN1 (hemicentin 1; plus strand). Cytogenetic location: 1q31.1.
Variant type: single nucleotide variant.
Coding change: c.11803A>G on transcript NM_031935.3 (MANE Select); coding-DNA position 11803, A replaced by G.
Protein change: p.Ile3935Val; replaces isoleucine 3935 with valine.
Molecular consequence: missense variant.
Genome position (GRCh38, 1-based): chr1:186,117,578, A>G. VCF-style: chr1-186117578-A-G. GRCh37 (hg19) VCF-style: chr1-186086710-A-G.
Other names: short protein forms I3935V.
Identifiers: ClinVar variation 874869 (VCV000874869.16), dbSNP rs114270813, ClinGen allele CA1294154.
Genomic context (GRCh38, chr1:186,117,578, plus strand): 5'-GTAATTACCTGCACTGCTTCGGGAGTTCCATTTCCCTCAATTCACTGGACCAAAAATGGT[A>G]TAAGACTGCTTCCCAGGGGAGATGGCTATAGAATTCTGTCCTCAGGTAAGACCAAGCTCA-3'
Protein context (NP_114141.2, residues 3925-3945): FPSIHWTKNG[Ile3935Val]RLLPRGDGYR

ClinVar aggregate classification (germline): Benign/Likely benign. Review status: criteria provided, multiple submitters, no conflicts (2 of 4 stars). 5 submissions from 5 submitters: Benign (1); Likely benign (3). 1 of the submissions does not count toward it. Last evaluated 2025-12-28.

Conditions:
Age related macular degeneration 1 (ARMD1). Also called: MACULOPATHY, AGE-RELATED, 1. Identifiers: MedGen C1864205, MONDO:0011285, OMIM 603075.
HMCN1-related disorder. Also called: HMCN1-related condition.

Allele frequency attached by ClinVar (database versions not stated): gnomAD exomes 0.00084; ExAC 0.00106; gnomAD 0.00287 and 0.00309; ESP Exome Variant Server 0.00292; 1000 Genomes Project 30x 0.00297; 1000 Genomes Project 0.00300; TOPMed 0.00333.
gnomAD v4.1: 873 of 1,613,960 alleles (0.054%); highest among the groups gnomAD compares: African/African-American, 0.94%; 5 homozygotes.

Submissions (6):

Labcorp Genetics (formerly Invitae), Labcorp
Classification: Benign. Last evaluated: 2025-12-28. Review status: criteria provided, single submitter. Criteria: Invitae Variant Classification Sherloc (09022015). Collection method: clinical testing. Allele origin: germline.

Blueprint Genetics
Classification: Likely benign. Last evaluated: 2024-10-17. Review status: criteria provided, single submitter. Criteria: ACMG Guidelines, 2015. Collection method: clinical testing. Allele origin: germline.

Genome-Nilou Lab
Classification: Likely benign for Age related macular degeneration 1. Last evaluated: 2023-04-11. Review status: criteria provided, single submitter. Criteria: ACMG Guidelines, 2015. Collection method: clinical testing. Allele origin: germline. Affected: no.

Illumina Laboratory Services, Illumina
Classification: Likely benign for Age related macular degeneration 1. Last evaluated: 2018-01-13. Review status: criteria provided, single submitter. Criteria: ICSL Variant Classification Criteria 13 December 2019. Collection method: clinical testing. Allele origin: germline.
Comment: This variant was observed in the ICSL laboratory as part of a predisposition screen in an ostensibly healthy population. It had not been previously curated by ICSL or reported in the Human Gene Mutation Database (HGMD: prior to June 1st, 2018), and was therefore a candidate for classification through an automated scoring system. Utilizing variant allele frequency, disease prevalence and penetrance estimates, and inheritance mode, an automated score was calculated to assess if this variant is too frequent to cause the disease. Based on the score and internal cut-off values, a variant classified as likely benign is not then subjected to further curation. The score for this variant resulted in a classification of likely benign for this disease.

PreventionGenetics, part of Exact Sciences
Classification: Benign for HMCN1-related condition. Last evaluated: 2019-08-07. Review status: no assertion criteria provided. Collection method: clinical testing. Allele origin: germline. Not counted in ClinVar's aggregate classification.
Comment: This variant is classified as benign based on ACMG/AMP sequence variant interpretation guidelines (Richards et al. 2015 PMID: 25741868, with internal and published modifications).

Dr. Peter K. Rogan Lab, Western University
No classification provided (evidence only). Condition: Gastric cancer. Review status: no classification provided. Collection method: in vitro. Allele origin: not applicable. Functional consequence: retained intron. Not counted in ClinVar's aggregate classification.